The following is an entry in ClinVar:

ClinVar aggregate classification (germline): Conflicting classifications of pathogenicity. Review status: criteria provided, conflicting classifications (1 of 4 stars). 9 submissions from 5 submitters: Uncertain significance (8); Likely benign (1). Last evaluated 2026-05-06.

Conditions:
TTN-related disorder. Also called: TTN-related condition; TTN-related disease; TTN-related disorders.
Cardiomyopathy (CMYO). Also called: Cardiomyopathies. Identifiers: Orphanet 167848, MedGen C0878544, MONDO:0004994, HP:0001638. Inheritance: Various modes of inheritance.
Early-onset myopathy with fatal cardiomyopathy (CMYO5). Also called: Salih Myopathy; CONGENITAL MYOPATHY 5 WITH CARDIOMYOPATHY. Identifiers: Orphanet 289377, MedGen C2673677, MONDO:0012714, OMIM 611705. Disease mechanism: loss of function.
Myopathy, myofibrillar, 9, with early respiratory failure (MFM9). Also called: Hereditary myopathy with early respiratory failure; MYOPATHY, PROXIMAL, WITH EARLY RESPIRATORY MUSCLE INVOLVEMENT; Myopathy, distal, with early respiratory failure, autosomal dominant; EDSTROM MYOPATHY. Identifiers: Orphanet 178464, Orphanet 34521, MedGen C1863599, MONDO:0011362, OMIM 603689.
Autosomal recessive limb-girdle muscular dystrophy type 2J (LGMDR10). Also called: Limb-girdle muscular dystrophy, type 2J; MUSCULAR DYSTROPHY, LIMB-GIRDLE, AUTOSOMAL RECESSIVE 10. Identifiers: Orphanet 140922, MedGen C1837342, MONDO:0012127, OMIM 608807.
Tibial muscular dystrophy (TMD). Also called: UDD MYOPATHY; Tibial muscular dystrophy, tardive; Udd Distal Myopathy – Tibial Muscular Dystrophy. Identifiers: Orphanet 609, MedGen C1838244, MONDO:0010870, OMIM 600334.
Dilated cardiomyopathy 1G (CMD1G). Identifiers: Orphanet 154, MedGen C1858763, MONDO:0011400, OMIM 604145.

Allele frequency attached by ClinVar (database versions not stated): ExAC 0.00001; gnomAD exomes 0.00001; gnomAD 0.00002 and 0.00003; TOPMed 0.00002.
gnomAD v4.1: 41 of 1,613,896 alleles (0.0025%); highest among the groups gnomAD compares: Non-Finnish European, 0.0033%; no homozygotes.

Submissions (9):

PreventionGenetics, part of Exact Sciences
Classification: Uncertain significance for TTN-related condition. Last evaluated: 2026-05-06. Review status: criteria provided, single submitter. Criteria: ACMG Guidelines, 2015. Collection method: clinical testing. Allele origin: germline.
Comment: The TTN c.10024G>A variant is predicted to result in the amino acid substitution p.Val3342Ile. To our knowledge, this variant has not been reported in the literature. This variant is reported in 0.0026% of alleles in individuals of European (Non-Finnish) descent in gnomAD. At this time, the clinical significance of this variant is uncertain due to the absence of conclusive functional and genetic evidence.

CHEO Genetics Diagnostic Laboratory, Children's Hospital of Eastern Ontario
Classification: Uncertain significance for Cardiomyopathy. Last evaluated: 2020-01-24. Review status: criteria provided, single submitter. Criteria: ACMG Guidelines, 2015. Collection method: clinical testing. Allele origin: germline.

Revvity Omics, Revvity
Classification: Uncertain significance. Last evaluated: 2019-09-25. Review status: criteria provided, single submitter. Criteria: ACMG Guidelines, 2015. Collection method: clinical testing. Allele origin: germline.

Illumina Laboratory Services, Illumina
Classification: Uncertain significance for Myopathy, myofibrillar, 9, with early respiratory failure. Last evaluated: 2018-01-13. Review status: criteria provided, single submitter. Criteria: ICSL Variant Classification Criteria 13 December 2019. Collection method: clinical testing. Allele origin: germline.

Illumina Laboratory Services, Illumina
Classification: Uncertain significance for Autosomal recessive limb-girdle muscular dystrophy type 2J. Last evaluated: 2018-01-13. Review status: criteria provided, single submitter. Criteria: ICSL Variant Classification Criteria 13 December 2019. Collection method: clinical testing. Allele origin: germline.

Illumina Laboratory Services, Illumina
Classification: Uncertain significance for Dilated cardiomyopathy 1G. Last evaluated: 2018-01-13. Review status: criteria provided, single submitter. Criteria: ICSL Variant Classification Criteria 13 December 2019. Collection method: clinical testing. Allele origin: germline.

Illumina Laboratory Services, Illumina
Classification: Uncertain significance for Early-onset myopathy with fatal cardiomyopathy. Last evaluated: 2018-01-13. Review status: criteria provided, single submitter. Criteria: ICSL Variant Classification Criteria 13 December 2019. Collection method: clinical testing. Allele origin: germline.

Illumina Laboratory Services, Illumina
Classification: Uncertain significance for Tibial muscular dystrophy. Last evaluated: 2018-01-13. Review status: criteria provided, single submitter. Criteria: ICSL Variant Classification Criteria 13 December 2019. Collection method: clinical testing. Allele origin: germline.

Laboratory for Molecular Medicine, Mass General Brigham Personalized Medicine
Classification: Likely benign. Last evaluated: 2014-12-03. Review status: criteria provided, single submitter. Criteria: LMM Criteria. Collection method: clinical testing. Allele origin: germline. Observed: 1 variant allele.
Comment: p.Val3342Ile in exon 43 of TTN: This variant is not expected to have clinical si gnificance due to a lack of conservation across species, including mammals. Of n ote, 4 mammals (squirrel monkey, weddel seal, star-nosed mole, and platypus) hav e an isoleucine (Ile) at this position despite high nearby amino acid conservati on. In addition, computational prediction tools do not suggest a high likelihood of impact to the protein.

NM_001267550.2(TTN):c.10024G>A (p.Val3342Ile)

Gene: TTN (titin; minus strand). Cytogenetic location: 2q31.2.
Variant type: single nucleotide variant.
Coding change: c.10024G>A on transcript NM_001267550.2 (MANE Select); coding-DNA position 10024, G replaced by A.
Protein change: p.Val3342Ile; replaces valine 3342 with isoleucine.
Molecular consequence: missense variant.
Genome position (GRCh38, 1-based): chr2:178,764,267, C>T on the plus strand (G>A on the coding strand, the complement: TTN is on the minus strand). VCF-style: chr2-178764267-C-T. GRCh37 (hg19) VCF-style: chr2-179628994-C-T.
Other names: c.10024G>A, p.Val3342Ile (NM_001256850.1, NM_133379.5, NM_133378.4); c.9886G>A, p.Val3296Ile (NM_003319.4, NM_133432.3, NM_133437.4); short protein forms V3342I, V3296I.
Identifiers: ClinVar variation 166291 (VCV000166291.13), dbSNP rs727503679, ClinGen allele CA179186.